The following is an entry in ClinVar:

NM_004614.4(TK2):c.-517T>A

Gene: TK2 (thymidine kinase 2; minus strand). Cytogenetic location: 16q21.
Variant type: single nucleotide variant.
Coding change: c.-517T>A on transcript NM_004614.4; 517 bases upstream of the start codon, T replaced by A.
Genome position (GRCh38, 1-based): chr16:66,550,578, A>T on the plus strand (T>A on the coding strand, the complement: TK2 is on the minus strand). VCF-style: chr16-66550578-A-T. GRCh37 (hg19) VCF-style: chr16-66584481-A-T.
Identifiers: ClinVar variation 672503 (VCV000672503.4), dbSNP rs16956624, ClinGen allele CA282200000.

ClinVar aggregate classification (germline): Benign. Review status: criteria provided, multiple submitters, no conflicts (2 of 4 stars). 2 submissions from 2 submitters: Benign (2). Last evaluated 2018-06-14.

Allele frequency attached by ClinVar (database versions not stated): gnomAD 0.05641 and 0.05340; 1000 Genomes Project 30x 0.09478; TOPMed 0.06445; 1000 Genomes Project 0.09425; gnomAD exomes 0.04830.

Submissions (2):

GeneDx
Classification: Benign. Last evaluated: 2018-06-14. Review status: criteria provided, single submitter. Criteria: GeneDx Variant Classification (06012015). Collection method: clinical testing. Allele origin: germline. Affected: yes.
Comment: This variant is considered likely benign or benign based on one or more of the following criteria: it is a conservative change, it occurs at a poorly conserved position in the protein, it is predicted to be benign by multiple in silico algorithms, and/or has population frequency not consistent with disease.

Breakthrough Genomics
Classification: Benign. Review status: criteria provided, single submitter. Criteria: ACMG Guidelines, 2015. Collection method: not provided. Allele origin: germline. Inheritance: Autosomal recessive inheritance. Affected: yes.